The following is an entry in ClinVar:

NM_015474.4(SAMHD1):c.427C>A (p.Arg143Ser)

Gene: SAMHD1 (SAM and HD domain containing deoxynucleoside triphosphate triphosphohydrolase 1; minus strand). Cytogenetic location: 20q11.23.
Variant type: single nucleotide variant.
Coding change: c.427C>A on transcript NM_015474.4 (MANE Select); coding-DNA position 427, C replaced by A.
Protein change: p.Arg143Ser; replaces arginine 143 with serine.
Molecular consequence: missense variant.
Genome position (GRCh38, 1-based): chr20:36,935,111, G>T on the plus strand (C>A on the coding strand, the complement: SAMHD1 is on the minus strand). VCF-style: chr20-36935111-G-T. GRCh37 (hg19) VCF-style: chr20-35563514-G-T.
Other names: c.427C>A, p.Arg143Ser (NM_001363729.2, NM_001363733.2); short protein forms R143S.
Identifiers: ClinVar variation 2096707 (VCV002096707.4), dbSNP rs387906948, ClinGen allele CA408823129.

ClinVar aggregate classification (germline): Uncertain significance (1 of 4 stars; one submission).

Conditions:
Aicardi-Goutieres syndrome 5. Identifiers: Orphanet 51, MedGen C2749659, MONDO:0013059, OMIM 612952.

Submission:

Labcorp Genetics (formerly Invitae), Labcorp
Classification: Uncertain significance for Aicardi-Goutieres syndrome 5. Last evaluated: 2022-02-11. Review status: criteria provided, single submitter. Criteria: Invitae Variant Classification Sherloc (09022015). Collection method: clinical testing. Allele origin: germline.
Comment: In summary, the available evidence is currently insufficient to determine the role of this variant in disease. Therefore, it has been classified as a Variant of Uncertain Significance. Algorithms developed to predict the effect of missense changes on protein structure and function are either unavailable or do not agree on the potential impact of this missense change (SIFT: "Deleterious"; PolyPhen-2: "Probably Damaging"; Align-GVGD: "Class C0"). This variant has not been reported in the literature in individuals affected with SAMHD1-related conditions. This variant is not present in population databases (gnomAD no frequency). This sequence change replaces arginine, which is basic and polar, with serine, which is neutral and polar, at codon 143 of the SAMHD1 protein (p.Arg143Ser). Algorithms developed to predict the effect of sequence changes on RNA splicing suggest that this variant may create or strengthen a splice site. This variant disrupts the p.Arg143 amino acid residue in SAMHD1. Other variant(s) that disrupt this residue have been observed in individuals with SAMHD1-related conditions (PMID: 19525956), which suggests that this may be a clinically significant amino acid residue.

Literature cited by the submitters: PubMed 19525956.